The following is an entry in ClinVar:

ClinVar aggregate classification (germline): Uncertain significance (1 of 4 stars; one submission).

Conditions:
Inborn genetic diseases. Identifiers: MedGen C0950123, MeSH D030342.

Allele frequency attached by ClinVar (database versions not stated): gnomAD 0.00001; TOPMed 0.00002; ExAC 0.00003.

Submission:

Ambry Genetics
Classification: Uncertain significance for Inborn genetic diseases. Last evaluated: 2021-06-02. Review status: criteria provided, single submitter. Criteria: Ambry Variant Classification Scheme 2023. Collection method: clinical testing. Allele origin: germline.
Comment: The c.956+3G>A intronic alteration consists of a G to A substitution nucleotides after coding exon 8 in the GCDH gene. Based on insufficient or conflicting evidence, the clinical significance of this alteration remains unclear.

NM_000159.4(GCDH):c.956+3G>A

Gene: GCDH (glutaryl-CoA dehydrogenase; plus strand). Cytogenetic location: 19p13.13.
Variant type: single nucleotide variant.
Coding change: c.956+3G>A on transcript NM_000159.4 (MANE Select); 3 bases into the intron after coding-DNA position 956, G replaced by A.
Molecular consequence: intron variant.
Genome position (GRCh38, 1-based): chr19:12,897,016, G>A. VCF-style: chr19-12897016-G-A. GRCh37 (hg19) VCF-style: chr19-13007830-G-A.
Other names: c.956+3G>A (NM_013976.5).
Identifiers: ClinVar variation 2230752 (VCV002230752.2), dbSNP rs188937679, ClinGen allele CA9234553.